The following is an entry in ClinVar:

ClinVar aggregate classification (germline): Uncertain significance. Review status: criteria provided, multiple submitters, no conflicts (2 of 4 stars). 3 submissions from 3 submitters: Uncertain significance (3). Last evaluated 2025-01-06.

Conditions:
Achondroplasia (ACH). Also called: Achondroplastic dwarfism. Identifiers: Orphanet 15, MedGen C0001080, MONDO:0007037, OMIM 100800. Disease mechanism: gain of function.
Camptodactyly-tall stature-scoliosis-hearing loss syndrome. Also called: CATSHL SYNDROME. Identifiers: Orphanet 85164, MedGen C1864852, MONDO:0012504, OMIM 610474.
Thanatophoric dysplasia type 1 (TD1). Also called: Thanatophoric Dysplasia Type 1 (TD Type 1); PLATYSPONDYLIC LETHAL SKELETAL DYSPLASIA, SAN DIEGO TYPE; LETHAL SHORT-LIMBED PLATYSPONDYLIC DWARFISM, SAN DIEGO TYPE. Identifiers: Orphanet 1860, Orphanet 2655, MedGen C1868678, MONDO:0008546, OMIM 187600. Disease mechanism: gain of function.
Severe achondroplasia-developmental delay-acanthosis nigricans syndrome. Also called: Severe achondroplasia with developmental delay and acanthosis nigricans; SADDAN dysplasia. Identifiers: Orphanet 85165, MedGen C2674173, MONDO:0014658, OMIM 616482.
Crouzon syndrome-acanthosis nigricans syndrome. Also called: CROUZONODERMOSKELETAL SYNDROME. Identifiers: Orphanet 93262, MedGen C2677099, MONDO:0012833, OMIM 612247.
Muenke syndrome (MNKES). Also called: MUENKE NONSYNDROMIC CORONAL CRANIOSYNOSTOSIS. Identifiers: Orphanet 53271, MedGen C1864436, MONDO:0011274, OMIM 602849.
Cervical cancer. Also called: Cervix cancer; Cervical cancer, somatic; Cancer of cervix. Identifiers: MedGen C4048328, MONDO:0002974, OMIM 603956, HP:0030079.
Colorectal cancer. Also called: Colorectal cancer, somatic; Malignant Colorectal Neoplasm. Identifiers: MedGen C0346629, MONDO:0005575, OMIM 114500.
Germ cell tumor of testis (TGCT). Also called: GERM CELL TUMOR, SOMATIC; Testicular germ cell tumor. Identifiers: Orphanet 363504, MedGen C1336708, MONDO:0010108, OMIM 273300.
Epidermal nevus. Also called: NEVUS, KERATINOCYTIC, NONEPIDERMOLYTIC; Nevus, epidermal, somatic. Identifiers: Orphanet 79414, MedGen C0334082, MONDO:0008093, OMIM 162900, HP:0010816.
Malignant tumor of urinary bladder. Also called: Bladder cancer; Urinary Bladder Neoplasms; Urinary bladder cancer. Identifiers: MedGen C0005684, MONDO:0001187, OMIM 109800.
Thanatophoric dysplasia, type 2 (TD2). Also called: CLOVERLEAF SKULL WITH THANATOPHORIC DWARFISM; Thanatophoric Dysplasia Type 2 (TD Type 2); THANATOPHORIC DYSPLASIA WITH KLEEBLATTSCHAEDEL; THANATOPHORIC DYSPLASIA WITH STRAIGHT FEMURS AND CLOVERLEAF SKULL. Identifiers: Orphanet 2655, Orphanet 93274, MedGen C1300257, MONDO:0008547, OMIM 187601. Disease mechanism: gain of function.
Lacrimoauriculodentodigital syndrome 2 (LADD2). Also called: LADD SYNDROME 2. Identifiers: MedGen C5774286, MONDO:0859577, OMIM 620192.
Hypochondroplasia (HCH). Identifiers: Orphanet 429, MedGen C0410529, MONDO:0007793, OMIM 146000. Disease mechanism: gain of function.

Allele frequency attached by ClinVar (database versions not stated): gnomAD exomes below 0.00001.
gnomAD v4.1: 2 of 1,612,982 alleles (0.00012%); highest among the groups gnomAD compares: Non-Finnish European, 0.00017%; no homozygotes.

Submissions (3):

Dasa
Classification: Uncertain significance. Last evaluated: 2025-01-06. Review status: criteria provided, single submitter. Criteria: DASA Assertion Criteria. Collection method: clinical testing. Allele origin: germline.
Comment: NM_000142.5(FGFR3):c.2105A>T (p.Glu702Val) is a missense variant that results in the substitution of glutamic acid with valine. This variant is rare in population databases. Computational prediction algorithms are consistent with a deleterious effect. The currently available literature and clinical evidence are not sufficient to establish a definitive association between this variant and the reported condition. Therefore, this variant is classified as a variant of uncertain significance.

Labcorp Genetics (formerly Invitae), Labcorp
Classification: Uncertain significance. Last evaluated: 2023-06-04. Review status: criteria provided, single submitter. Criteria: Invitae Variant Classification Sherloc (09022015). Collection method: clinical testing. Allele origin: germline.
Comment: This sequence change replaces glutamic acid, which is acidic and polar, with valine, which is neutral and non-polar, at codon 702 of the FGFR3 protein (p.Glu702Val). This variant is not present in population databases (gnomAD no frequency). This variant has not been reported in the literature in individuals affected with FGFR3-related conditions. Advanced modeling of protein sequence and biophysical properties (such as structural, functional, and spatial information, amino acid conservation, physicochemical variation, residue mobility, and thermodynamic stability) has been performed at Invitae for this missense variant, however the output from this modeling did not meet the statistical confidence thresholds required to predict the impact of this variant on FGFR3 protein function. In summary, the available evidence is currently insufficient to determine the role of this variant in disease. Therefore, it has been classified as a Variant of Uncertain Significance.

Department of Pathology and Laboratory Medicine, Sinai Health System
Classification: Uncertain significance for Achondroplasia; Malignant tumor of urinary bladder; Colorectal cancer; Hypochondroplasia; Epidermal nevus; Thanatophoric dysplasia type 1; Thanatophoric dysplasia, type 2; Germ cell tumor of testis; Muenke syndrome; Cervical cancer; Camptodactyly-tall stature-scoliosis-hearing loss syndrome; Crouzon syndrome-acanthosis nigricans syndrome; Severe achondroplasia-developmental delay-acanthosis nigricans syndrome; Lacrimoauriculodentodigital syndrome 2. Last evaluated: 2021-07-30. Review status: criteria provided, single submitter. Criteria: ACMG Guidelines, 2015. Collection method: research. Allele origin: germline.

NM_000142.5(FGFR3):c.2105A>T (p.Glu702Val)

Gene: FGFR3 (fibroblast growth factor receptor 3; plus strand). Cytogenetic location: 4p16.3.
Variant type: single nucleotide variant.
Coding change: c.2105A>T on transcript NM_000142.5 (MANE Select); coding-DNA position 2105, A replaced by T.
Protein change: p.Glu702Val; replaces glutamic acid 702 with valine.
Molecular consequence: missense variant. On other transcripts: synonymous variant (1), non-coding transcript variant (1).
Genome position (GRCh38, 1-based): chr4:1,806,620, A>T. VCF-style: chr4-1806620-A-T. GRCh37 (hg19) VCF-style: chr4-1808347-A-T.
Other names: c.2111A>T, p.Glu704Val (NM_001163213.2); c.2108A>T, p.Glu703Val (NM_001354809.2); c.2037A>T, p.Gly679= (NM_001354810.2); c.1769A>T, p.Glu590Val (NM_022965.4); short protein forms E704V, E703V, E590V, E702V.
Identifiers: ClinVar variation 2874249 (VCV002874249.6), dbSNP rs2108812073, ClinGen allele CA355983855.